The following is an entry in ClinVar:

NC_012920.1(MT-ND3):m.10371G>A

Gene: MT-ND3 (mitochondrially encoded NADH dehydrogenase 3; plus strand).
Variant type: single nucleotide variant.
Genome position: chrM-10371-G-A.
Identifiers: ClinVar variation 693287 (VCV000693287.1), dbSNP rs1603222803, ClinGen allele CA414805239.

ClinVar aggregate classification (germline): Uncertain significance (1 of 4 stars; one submission).

Conditions:
Leigh syndrome (NULS). Also called: Leigh's necrotizing encephalopathy; Leigh's disease; Leigh Syndrome (mtDNA deletion); Leigh Disease; Subacute necrotizing encephalopathy; Necrotizing encephalopathy infantile subacute of Leigh. Identifiers: Orphanet 506, MedGen C2931891, MONDO:0009723, OMIM 256000.

Submission:

Wong Mito Lab, Molecular and Human Genetics, Baylor College of Medicine
Classification: Uncertain significance for Leigh syndrome. Last evaluated: 2019-10-17. Review status: criteria provided, single submitter. Criteria: Modified ACMG Guidelines (Unpublished). Collection method: clinical testing. Allele origin: germline.
Comment: The NC_012920.1:m.10371G>A (YP_003024033.1:p.Glu105Lys) variant in MTND3 gene is interpretated to be a Uncertain Significance variant based on the modified ACMG guidelines (unpublished). This variant meets the following evidence codes: no criteria